The following is an entry in ClinVar:

NM_017534.6(MYH2):c.3944C>T (p.Thr1315Ile)

Genes: MYH2 (myosin heavy chain 2; minus strand), MYHAS (myosin heavy chain gene cluster antisense RNA; plus strand). Cytogenetic location: 17p13.1.
Variant type: single nucleotide variant.
Coding change: c.3944C>T on transcript NM_017534.6 (MANE Select); coding-DNA position 3944, C replaced by T.
Protein change: p.Thr1315Ile; replaces threonine 1315 with isoleucine.
Molecular consequence: missense variant.
Genome position (GRCh38, 1-based): chr17:10,526,984, G>A on the plus strand (C>T on the coding strand, the complement: MYH2 is on the minus strand). VCF-style: chr17-10526984-G-A. GRCh37 (hg19) VCF-style: chr17-10430301-G-A.
Other names: c.3944C>T, p.Thr1315Ile (NM_001100112.2); short protein forms T1315I.
Identifiers: ClinVar variation 1959558 (VCV001959558.5), dbSNP rs1377258436, ClinGen allele CA398129074.

ClinVar aggregate classification (germline): Uncertain significance (1 of 4 stars; one submission).

Conditions:
Myopathy, proximal, and ophthalmoplegia (CMYO6). Also called: INCLUSION BODY MYOPATHY 3, AUTOSOMAL DOMINANT; CONGENITAL MYOPATHY 6 WITH OPHTHALMOPLEGIA; MYOPATHY WITH CONGENITAL JOINT CONTRACTURES, OPHTHALMOPLEGIA, AND RIMMED VACUOLES. Identifiers: Orphanet 363677, Orphanet 79091, MedGen C1854106, MONDO:0011577, OMIM 605637.

Allele frequency attached by ClinVar (database versions not stated): gnomAD exomes below 0.00001.

Submission:

Labcorp Genetics (formerly Invitae), Labcorp
Classification: Uncertain significance for Myopathy, proximal, and ophthalmoplegia. Last evaluated: 2024-02-17. Review status: criteria provided, single submitter. Criteria: Invitae Variant Classification Sherloc (09022015). Collection method: clinical testing. Allele origin: germline.
Comment: This sequence change replaces threonine, which is neutral and polar, with isoleucine, which is neutral and non-polar, at codon 1315 of the MYH2 protein (p.Thr1315Ile). This variant is not present in population databases (gnomAD no frequency). This variant has not been reported in the literature in individuals affected with MYH2-related conditions. ClinVar contains an entry for this variant (Variation ID: 1959558). Advanced modeling of protein sequence and biophysical properties (such as structural, functional, and spatial information, amino acid conservation, physicochemical variation, residue mobility, and thermodynamic stability) has been performed at Invitae for this missense variant, however the output from this modeling did not meet the statistical confidence thresholds required to predict the impact of this variant on MYH2 protein function. In summary, the available evidence is currently insufficient to determine the role of this variant in disease. Therefore, it has been classified as a Variant of Uncertain Significance.